The following is an entry in ClinVar:

ClinVar aggregate classification (germline): Conflicting classifications of pathogenicity. Review status: criteria provided, conflicting classifications (1 of 4 stars). 3 submissions from 3 submitters: Uncertain significance (1); Benign (1); Likely benign (1). Last evaluated 2024-03-11.

Conditions:
Emery-Dreifuss muscular dystrophy 5, autosomal dominant (EDMD5). Also called: EMERY-DREIFUSS MUSCULAR DYSTROPHY 5. Identifiers: Orphanet 261, MedGen C2751805, MONDO:0013072, OMIM 612999.

Allele frequency attached by ClinVar (database versions not stated): gnomAD 0.00004 and 0.00008; TOPMed 0.00004; gnomAD exomes 0.00016 and 0.00023; ExAC 0.00032; 1000 Genomes Project 30x 0.00062; 1000 Genomes Project 0.00080.
gnomAD v4.1: 246 of 1,614,168 alleles (0.015%); highest among the groups gnomAD compares: East Asian, 0.53%; no homozygotes.

Submissions (3):

Labcorp Genetics (formerly Invitae), Labcorp
Classification: Likely benign for Emery-Dreifuss muscular dystrophy 5, autosomal dominant. Last evaluated: 2024-03-11. Review status: criteria provided, single submitter. Criteria: Invitae Variant Classification Sherloc (09022015). Collection method: clinical testing. Allele origin: germline.

Illumina Laboratory Services, Illumina
Classification: Benign for Emery-Dreifuss muscular dystrophy 5, autosomal dominant. Last evaluated: 2018-01-13. Review status: criteria provided, single submitter. Criteria: ICSL Variant Classification Criteria 13 December 2019. Collection method: clinical testing. Allele origin: germline.
Comment: This variant was observed in the ICSL laboratory as part of a predisposition screen in an ostensibly healthy population. It had not been previously curated by ICSL or reported in the Human Gene Mutation Database (HGMD: prior to June 1st, 2018), and was therefore a candidate for classification through an automated scoring system. Utilizing variant allele frequency, disease prevalence and penetrance estimates, and inheritance mode, an automated score was calculated to assess if this variant is too frequent to cause the disease. Based on the score and internal cut-off values, a variant classified as benign is not then subjected to further curation. The score for this variant resulted in a classification of benign for this disease.

Eurofins Ntd Llc (ga)
Classification: Uncertain significance. Last evaluated: 2015-04-01. Review status: criteria provided, single submitter. Criteria: EGL Classification Definitions 2015. Collection method: clinical testing. Allele origin: germline. Observed: 1 variant allele, 1 heterozygote.

NM_182914.3(SYNE2):c.18641G>A (p.Arg6214Lys)

Gene: SYNE2 (spectrin repeat containing nuclear envelope protein 2; plus strand). Cytogenetic location: 14q23.2.
Variant type: single nucleotide variant.
Coding change: c.18641G>A on transcript NM_182914.3 (MANE Select); coding-DNA position 18641, G replaced by A.
Protein change: p.Arg6214Lys; replaces arginine 6214 with lysine.
Molecular consequence: missense variant.
Genome position (GRCh38, 1-based): chr14:64,210,042, G>A. VCF-style: chr14-64210042-G-A. GRCh37 (hg19) VCF-style: chr14-64676760-G-A.
Other names: c.18641G>A, p.Arg6214Lys (NM_015180.6); short protein forms R6214K.
Identifiers: ClinVar variation 193774 (VCV000193774.13), dbSNP rs200152990, ClinGen allele CA239416.
Genomic context (GRCh38, chr14:64,210,042, plus strand): 5'-AGCTCATCAACAAGCAGTACCGGCGGCTGGCCCGGGAGAACCGCACAGACACGGCCAGCA[G>A]GCTGAAGCAGATGGTCCACGAGGGCAACCAGCGCTGGGACAACCTTCAGAGGCGGGTCAC-3'
Protein context (NP_878918.2, residues 6204-6224): ARENRTDTAS[Arg6214Lys]LKQMVHEGNQ